The following is an entry in ClinVar:

NM_014244.5(ADAMTS2):c.2425A>G (p.Met809Val)

Gene: ADAMTS2 (ADAM metallopeptidase with thrombospondin type 1 motif 2; minus strand). Cytogenetic location: 5q35.3.
Variant type: single nucleotide variant.
Coding change: c.2425A>G on transcript NM_014244.5 (MANE Select); coding-DNA position 2425, A replaced by G.
Protein change: p.Met809Val; replaces methionine 809 with valine.
Molecular consequence: missense variant.
Genome position (GRCh38, 1-based): chr5:179,129,964, T>C on the plus strand (A>G on the coding strand, the complement: ADAMTS2 is on the minus strand). VCF-style: chr5-179129964-T-C. GRCh37 (hg19) VCF-style: chr5-178556965-T-C.
Other names: short protein forms M809V.
Identifiers: ClinVar variation 4536740 (VCV004536740.1).

ClinVar aggregate classification (germline): Uncertain significance (1 of 4 stars; one submission).

gnomAD v4.1: 1 of 1,613,972 alleles (0.000062%); highest among the groups gnomAD compares: Non-Finnish European, 0.000085%; no homozygotes.

Submission:

Women's Health and Genetics/Laboratory Corporation of America, LabCorp
Classification: Uncertain significance. Last evaluated: 2025-11-13. Review status: criteria provided, single submitter. Criteria: LabCorp Variant Classification Summary - May 2015. Collection method: clinical testing. Allele origin: germline.
Comment: Variant summary: ADAMTS2 c.2425A>G (p.Met809Val) results in a conservative amino acid change in the encoded protein sequence. Algorithms developed to predict the effect of missense changes on protein structure and function all suggest that this variant is likely to be tolerated. The variant was absent in 251004 control chromosomes. The available data on variant occurrences in the general population are insufficient to allow any conclusion about variant significance. To our knowledge, no occurrence of c.2425A>G in individuals affected with ADAMTS2-related conditions and no experimental evidence demonstrating its impact on protein function have been reported. No submitters have cited clinical-significance assessments for this variant to ClinVar. Based on the evidence outlined above, the variant was classified as uncertain significance.